The following is an entry in ClinVar:

ClinVar aggregate classification (germline): Pathogenic. Review status: criteria provided, multiple submitters, no conflicts (2 of 4 stars). 2 submissions from 2 submitters: Pathogenic (2). Last evaluated 2025-04-29.

Conditions:
Hereditary cancer-predisposing syndrome. Also called: Hereditary neoplastic syndrome; Tumor predisposition; Hereditary Cancer Syndrome; Neoplastic Syndromes, Hereditary. Identifiers: Orphanet 140162, MedGen C0027672, MeSH D009386, MONDO:0015356.
Familial cancer of breast. Also called: BREAST CANCER, FAMILIAL; hereditary breast carcinoma; Hereditary breast cancer. Identifiers: Orphanet 227535, MedGen C0346153, MONDO:0016419, OMIM 114480. Disease mechanism: loss of function.

Submissions (2):

Ambry Genetics
Classification: Pathogenic for Hereditary cancer-predisposing syndrome. Last evaluated: 2025-04-29. Review status: criteria provided, single submitter. Criteria: Ambry Variant Classification Scheme 2023. Collection method: clinical testing. Allele origin: germline.
Comment: The p.Q867* pathogenic mutation (also known as c.2599C>T), located in coding exon 18 of the BRIP1 gene, results from a C to T substitution at nucleotide position 2599. This changes the amino acid from a glutamine to a stop codon within coding exon 18. This variant is considered to be rare based on population cohorts in the Genome Aggregation Database (gnomAD). This alteration is expected to result in loss of function by premature protein truncation or nonsense-mediated mRNA decay. As such, this alteration is interpreted as a disease-causing mutation.

Myriad Genetics, Inc.
Classification: Pathogenic for Familial cancer of breast. Last evaluated: 2023-06-07. Review status: criteria provided, single submitter. Criteria: Myriad Autosomal Dominant, Autosomal Recessive and X-Linked Classification Criteria (2023). Collection method: clinical testing. Allele origin: unknown.
Comment: This variant is considered pathogenic. This variant creates a termination codon and is predicted to result in premature protein truncation.

NM_032043.3(BRIP1):c.2599C>T (p.Gln867Ter)

Gene: BRIP1 (BRCA1 interacting DNA helicase 1; minus strand). Cytogenetic location: 17q23.2.
Variant type: single nucleotide variant.
Coding change: c.2599C>T on transcript NM_032043.3 (MANE Select); coding-DNA position 2599, C replaced by T.
Protein change: p.Gln867Ter; replaces glutamine 867 with a stop codon.
Molecular consequence: nonsense.
Genome position (GRCh38, 1-based): chr17:61,686,142, G>A on the plus strand (C>T on the coding strand, the complement: BRIP1 is on the minus strand). VCF-style: chr17-61686142-G-A. GRCh37 (hg19) VCF-style: chr17-59763503-G-A.
Other names: short protein forms Q867*.
Identifiers: ClinVar variation 2584197 (VCV002584197.3), dbSNP rs182028200, ClinGen allele CA400481971.